The following is an entry in ClinVar:

ClinVar aggregate classification (germline): Uncertain significance. Review status: criteria provided, multiple submitters, no conflicts (2 of 4 stars). 2 submissions from 2 submitters: Uncertain significance (2). Last evaluated 2023-09-29.

Conditions:
Inborn genetic diseases. Identifiers: MedGen C0950123, MeSH D030342.

Allele frequency attached by ClinVar (database versions not stated): gnomAD exomes below 0.00001.
gnomAD v4.1: 2 of 1,594,932 alleles (0.00013%); highest among the groups gnomAD compares: Middle Eastern, 0.017%; no homozygotes.

Submissions (2):

GeneDx
Classification: Uncertain significance. Last evaluated: 2023-09-29. Review status: criteria provided, single submitter. Criteria: GeneDx Variant Classification Process June 2021. Collection method: clinical testing. Allele origin: germline. Affected: yes.
Comment: Not observed at significant frequency in large population cohorts (gnomAD); In silico analysis supports that this missense variant has a deleterious effect on protein structure/function; Has not been previously published as pathogenic or benign to our knowledge

Ambry Genetics
Classification: Uncertain significance for Inborn genetic diseases. Last evaluated: 2023-07-14. Review status: criteria provided, single submitter. Criteria: Ambry Variant Classification Scheme 2023. Collection method: clinical testing. Allele origin: germline.

NM_138967.4(SCAMP5):c.592C>G (p.Pro198Ala)

Gene: SCAMP5 (secretory carrier membrane protein 5; plus strand). Cytogenetic location: 15q24.2.
Variant type: single nucleotide variant.
Coding change: c.592C>G on transcript NM_138967.4 (MANE Select); coding-DNA position 592, C replaced by G.
Protein change: p.Pro198Ala; replaces proline 198 with alanine.
Molecular consequence: missense variant. On other transcripts: non-coding transcript variant (1).
Genome position (GRCh38, 1-based): chr15:75,018,867, C>G. VCF-style: chr15-75018867-C-G. GRCh37 (hg19) VCF-style: chr15-75311208-C-G.
Other names: c.592C>G, p.Pro198Ala (NM_001178111.2, NM_001178112.2); short protein forms P198A.
Identifiers: ClinVar variation 2612132 (VCV002612132.3), dbSNP rs2542646335, ClinGen allele CA393436298.